The following is an entry in ClinVar:

ClinVar aggregate classification (germline): Uncertain significance (1 of 4 stars; one submission).

Conditions:
Autoimmune interstitial lung disease-arthritis syndrome. Also called: Autoinflammation and autoimmunity, systemic, with immune dysregulation. Identifiers: Orphanet 444092, MedGen C5975714, MONDO:0014629.

Submission:

Labcorp Genetics (formerly Invitae), Labcorp
Classification: Uncertain significance for Autoimmune interstitial lung disease-arthritis syndrome. Last evaluated: 2019-09-15. Review status: criteria provided, single submitter. Criteria: Invitae Variant Classification Sherloc (09022015). Collection method: clinical testing. Allele origin: germline.
Comment: In summary, the available evidence is currently insufficient to determine the role of this variant in disease. Therefore, it has been classified as a Variant of Uncertain Significance. Algorithms developed to predict the effect of missense changes on protein structure and function are either unavailable or do not agree on the potential impact of this missense change (SIFT: "Deleterious"; PolyPhen-2: "Benign"; Align-GVGD: "Class C0"). This variant has not been reported in the literature in individuals with COPA-related conditions. This variant is not present in population databases (ExAC no frequency). This sequence change replaces aspartic acid with valine at codon 188 of the COPA protein (p.Asp188Val). The aspartic acid residue is highly conserved and there is a large physicochemical difference between aspartic acid and valine.

NM_004371.4(COPA):c.563A>T (p.Asp188Val)

Gene: COPA (coat protein complex I subunit alpha; minus strand). Cytogenetic location: 1q23.2.
Variant type: single nucleotide variant.
Coding change: c.563A>T on transcript NM_004371.4 (MANE Select); coding-DNA position 563, A replaced by T.
Protein change: p.Asp188Val; replaces aspartic acid 188 with valine.
Molecular consequence: missense variant.
Genome position (GRCh38, 1-based): chr1:160,325,586, T>A on the plus strand (A>T on the coding strand, the complement: COPA is on the minus strand). VCF-style: chr1-160325586-T-A. GRCh37 (hg19) VCF-style: chr1-160295376-T-A.
Other names: c.563A>T, p.Asp188Val (NM_001098398.2); short protein forms D188V.
Identifiers: ClinVar variation 961352 (VCV000961352.9), dbSNP rs770815634, ClinGen allele CA343267341.